The following is an entry in ClinVar:

ClinVar aggregate classification (germline): Uncertain significance (1 of 4 stars; one submission).

Submission:

CeGaT Center for Human Genetics Tuebingen
Classification: Uncertain significance. Last evaluated: 2024-12-01. Review status: criteria provided, single submitter. Criteria: CeGaT Center For Human Genetics Tuebingen Variant Classification Criteria Version 2. Collection method: clinical testing. Allele origin: germline. Affected: yes. Observed: 1 variant allele.
Comment: PKD1: PM2, BP4

NM_001009944.3(PKD1):c.6368A>T (p.Gln2123Leu)

Gene: PKD1 (polycystin 1, transient receptor potential channel interacting; minus strand). Cytogenetic location: 16p13.3.
Variant type: single nucleotide variant.
Coding change: c.6368A>T on transcript NM_001009944.3 (MANE Select); coding-DNA position 6368, A replaced by T.
Protein change: p.Gln2123Leu; replaces glutamine 2123 with leucine.
Molecular consequence: missense variant.
Genome position (GRCh38, 1-based): chr16:2,108,799, T>A on the plus strand (A>T on the coding strand, the complement: PKD1 is on the minus strand). VCF-style: chr16-2108799-T-A. GRCh37 (hg19) VCF-style: chr16-2158800-T-A.
Other names: c.6368A>T, p.Gln2123Leu (NM_000296.4); short protein forms Q2123L.
Identifiers: ClinVar variation 3771570 (VCV003771570.13).